The following is an entry in ClinVar:

ClinVar aggregate classification (germline): Benign (1 of 4 stars; one submission).

Conditions:
Oroticaciduria. Also called: Orotic aciduria. Identifiers: Orphanet 30, MedGen C0268128, HP:0003218.

Allele frequency attached by ClinVar (database versions not stated): gnomAD exomes 0.19103 and 0.20016; gnomAD 0.17646 and 0.17779; TOPMed 0.17987; 1000 Genomes Project 0.18610; ExAC 0.19364; 1000 Genomes Project 30x 0.18754.
gnomAD v4.1: 84,193 of 453,280 alleles (19%); highest among the groups gnomAD compares: Admixed American, 29%; 8,638 homozygotes.

Submission:

Illumina Laboratory Services, Illumina
Classification: Benign for Hereditary orotic aciduria. Last evaluated: 2018-01-13. Review status: criteria provided, single submitter. Criteria: ICSL Variant Classification Criteria 13 December 2019. Collection method: clinical testing. Allele origin: germline.
Comment: This variant was observed in the ICSL laboratory as part of a predisposition screen in an ostensibly healthy population. It had not been previously curated by ICSL or reported in the Human Gene Mutation Database (HGMD: prior to June 1st, 2018), and was therefore a candidate for classification through an automated scoring system. Utilizing variant allele frequency, disease prevalence and penetrance estimates, and inheritance mode, an automated score was calculated to assess if this variant is too frequent to cause the disease. Based on the score and internal cut-off values, a variant classified as benign is not then subjected to further curation. The score for this variant resulted in a classification of benign for this disease.

NM_000373.4(UMPS):c.*2995A>G

Gene: UMPS (uridine monophosphate synthetase; plus strand). Cytogenetic location: 3q21.2.
Variant type: single nucleotide variant.
Coding change: c.*2995A>G on transcript NM_000373.4 (MANE Select); 2995 bases downstream of the stop codon, A replaced by G.
Molecular consequence: 3 prime UTR variant. On other transcripts: non-coding transcript variant (2).
Genome position (GRCh38, 1-based): chr3:124,747,079, A>G. VCF-style: chr3-124747079-A-G. GRCh37 (hg19) VCF-style: chr3-124465926-A-G.
Identifiers: ClinVar variation 342992 (VCV000342992.5), dbSNP rs1979411, ClinGen allele CA2582084.